The following is an entry in ClinVar:

ClinVar aggregate classification (germline): Conflicting classifications of pathogenicity. Review status: criteria provided, conflicting classifications (1 of 4 stars). 6 submissions from 6 submitters: Uncertain significance (2); Benign (2); Likely benign (2). Last evaluated 2026-07-16.

Conditions:
Arrhythmogenic cardiomyopathy with wooly hair and keratoderma. Also called: Dilated cardiomyopathy with woolly hair and keratoderma; PALMOPLANTAR KERATODERMA WITH LEFT VENTRICULAR CARDIOMYOPATHY AND WOOLLY HAIR; Arrhythmogenic cardiomyopathy with woolly hair and keratoderma; Carvajal syndrome. Identifiers: Orphanet 65282, MedGen C1854063, MONDO:0011581, OMIM 605676.
Arrhythmogenic right ventricular dysplasia 8 (ARVD8). Also called: Arrhythmogenic Right Ventricular Dysplasia/Cardiomyopathy 8; ARRHYTHMOGENIC RIGHT VENTRICULAR DYSPLASIA, FAMILIAL, 8; ARRHYTHMOGENIC RIGHT VENTRICULAR CARDIOMYOPATHY 8. Identifiers: MedGen C1843896, MONDO:0011831, OMIM 607450.
Cardiovascular phenotype. Identifiers: MedGen CN230736.
Cardiomyopathy (CMYO). Also called: Cardiomyopathies. Identifiers: Orphanet 167848, MedGen C0878544, MONDO:0004994, HP:0001638. Inheritance: Various modes of inheritance.

Allele frequency attached by ClinVar (database versions not stated): gnomAD exomes 0.00001 and 0.00004; gnomAD 0.00010 and 0.00009; ESP Exome Variant Server 0.00031; 1000 Genomes Project 0.00040; ExAC 0.00005; TOPMed 0.00013; 1000 Genomes Project 30x 0.00062.
gnomAD v4.1: 31 of 1,614,076 alleles (0.0019%); highest among the groups gnomAD compares: African/African-American, 0.039%; no homozygotes.

Submissions (6):

GeneDx
Classification: Uncertain significance. Last evaluated: 2026-07-16. Review status: criteria provided, single submitter. Criteria: GeneDx Variant Classification Process June 2021. Collection method: clinical testing. Allele origin: germline.
Comment: In silico analysis suggests that this missense variant does not alter protein structure/function; Has not been previously published as pathogenic or benign to our knowledge

Molecular Diagnostic Laboratory for Inherited Cardiovascular Disease, Montreal Heart Institute
Classification: Likely benign. Last evaluated: 2026-03-27. Review status: criteria provided, single submitter. Criteria: ACMG Guidelines, 2015. Collection method: clinical testing. Allele origin: germline. Affected: no.
Comment: BS1;BP4

Labcorp Genetics (formerly Invitae), Labcorp
Classification: Benign for Arrhythmogenic cardiomyopathy with wooly hair and keratoderma; Arrhythmogenic right ventricular dysplasia 8. Last evaluated: 2026-01-26. Review status: criteria provided, single submitter. Criteria: Invitae Variant Classification Sherloc (09022015). Collection method: clinical testing. Allele origin: germline.

ARUP Laboratories, Molecular Genetics and Genomics, ARUP Laboratories
Classification: Uncertain significance. Last evaluated: 2025-03-21. Review status: criteria provided, single submitter. Criteria: ARUP Molecular Germline Variant Investigation Process 2024. Collection method: clinical testing. Allele origin: germline.
Comment: The DSP c.667G>A; p.Gly223Ser variant (rs200806163), to our knowledge, is not reported in the medical literature but is reported in ClinVar (Variation ID: 264110). This variant is found in the African/African-American population with an allele frequency of 0.056% (14/24,962 alleles) in the Genome Aggregation Database (v2.1.1). Computational analyses are uncertain whether this variant is neutral or deleterious (REVEL: 0.235). Due to limited information, the clinical significance of this variant is uncertain at this time.

Color Diagnostics, LLC DBA Color Health
Classification: Benign for Cardiomyopathy. Last evaluated: 2024-08-29. Review status: criteria provided, single submitter. Criteria: ACMG Guidelines, 2015. Collection method: clinical testing. Allele origin: germline.

Ambry Genetics
Classification: Likely benign for Cardiovascular phenotype. Last evaluated: 2017-12-07. Review status: criteria provided, single submitter. Criteria: Ambry Variant Classification Scheme 2023. Collection method: clinical testing. Allele origin: germline.

NM_004415.4(DSP):c.667G>A (p.Gly223Ser)

Gene: DSP (desmoplakin; plus strand). Cytogenetic location: 6p24.3.
Variant type: single nucleotide variant.
Coding change: c.667G>A on transcript NM_004415.4 (MANE Select); coding-DNA position 667, G replaced by A.
Protein change: p.Gly223Ser; replaces glycine 223 with serine.
Molecular consequence: missense variant.
Genome position (GRCh38, 1-based): chr6:7,562,721, G>A. VCF-style: chr6-7562721-G-A. GRCh37 (hg19) VCF-style: chr6-7562954-G-A.
Other names: c.667G>A, p.Gly223Ser (NM_001008844.3, NM_001319034.2); c.667G>A (LRG_423t1, NM_004415.3); short protein forms G223S.
Identifiers: ClinVar variation 264110 (VCV000264110.25), dbSNP rs200806163, ClinGen allele CA048208.